The following is an entry in ClinVar:

ClinVar aggregate classification (germline): Uncertain significance. Review status: criteria provided, multiple submitters, no conflicts (2 of 4 stars). 3 submissions from 3 submitters: Uncertain significance (3). Last evaluated 2025-06-08.

Conditions:
Hereditary cancer-predisposing syndrome. Also called: Neoplastic Syndromes, Hereditary; Tumor predisposition; Hereditary Cancer Syndrome; Hereditary neoplastic syndrome. Identifiers: Orphanet 140162, MedGen C0027672, MeSH D009386, MONDO:0015356.

Submissions (3):

Ambry Genetics
Classification: Uncertain significance for Hereditary cancer-predisposing syndrome. Last evaluated: 2025-06-08. Review status: criteria provided, single submitter. Criteria: Ambry Variant Classification Scheme 2023. Collection method: clinical testing. Allele origin: germline.
Comment: The p.Q1416H variant (also known as c.4248G>C), located in coding exon 28 of the ATM gene, results from a G to C substitution at nucleotide position 4248. The glutamine at codon 1416 is replaced by histidine, an amino acid with highly similar properties. This amino acid position is conserved. In addition, the in silico prediction for this alteration is inconclusive. Based on the available evidence, the clinical significance of this variant remains unclear.

Quest Diagnostics Nichols Institute San Juan Capistrano
Classification: Uncertain significance. Last evaluated: 2024-06-11. Review status: criteria provided, single submitter. Criteria: Quest Diagnostics criteria. Collection method: clinical testing. Allele origin: unknown.
Comment: The ATM c.4248G>C (p.Gln1416His) variant has not been reported in individuals with ATM-related conditions in the published literature. It also has not been reported in large, multi-ethnic general populations (Genome Aggregation Database). Analysis of this variant using bioinformatics tools for the prediction of the effect of amino acid changes on protein structure and function yielded conflicting predictions that this variant is benign or damaging. Based on the available information, we are unable to determine the clinical significance of this variant.

Color Diagnostics, LLC DBA Color Health
Classification: Uncertain significance for Hereditary cancer-predisposing syndrome. Last evaluated: 2023-12-05. Review status: criteria provided, single submitter. Criteria: ACMG Guidelines, 2015. Collection method: clinical testing. Allele origin: germline.
Comment: This missense variant replaces glutamine with histidine at codon 1416 of the ATM protein. Computational prediction suggests that this variant may not impact protein structure and function (internally defined REVEL score threshold <= 0.5, PMID: 27666373). To our knowledge, functional studies have not been reported for this variant. This variant has not been reported in individuals affected with ATM-related disorders in the literature. This variant has not been identified in the general population by the Genome Aggregation Database (gnomAD). The available evidence is insufficient to determine the role of this variant in disease conclusively. Therefore, this variant is classified as a Variant of Uncertain Significance.

NM_000051.4(ATM):c.4248G>C (p.Gln1416His)

Gene: ATM (ATM serine/threonine kinase; plus strand). Cytogenetic location: 11q22.3.
Variant type: single nucleotide variant.
Coding change: c.4248G>C on transcript NM_000051.4 (MANE Select); coding-DNA position 4248, G replaced by C.
Protein change: p.Gln1416His; replaces glutamine 1416 with histidine.
Molecular consequence: missense variant.
Genome position (GRCh38, 1-based): chr11:108,289,613, G>C. VCF-style: chr11-108289613-G-C. GRCh37 (hg19) VCF-style: chr11-108160340-G-C.
Other names: c.4248G>C, p.Gln1416His (NM_001351834.2); short protein forms Q1416H.
Identifiers: ClinVar variation 924774 (VCV000924774.6), dbSNP rs1233637041, ClinGen allele CA382531013.